The following is an entry in ClinVar:

NM_017780.4(CHD7):c.2689C>T (p.Arg897Trp)

Gene: CHD7 (chromodomain helicase DNA binding protein 7; plus strand). Cytogenetic location: 8q12.2.
Variant type: single nucleotide variant.
Coding change: c.2689C>T on transcript NM_017780.4 (MANE Select); coding-DNA position 2689, C replaced by T.
Protein change: p.Arg897Trp; replaces arginine 897 with tryptophan.
Molecular consequence: missense variant. On other transcripts: intron variant (1).
Genome position (GRCh38, 1-based): chr8:60,820,082, C>T. VCF-style: chr8-60820082-C-T. GRCh37 (hg19) VCF-style: chr8-61732641-C-T.
Other names: c.1716+39032C>T (NM_001316690.1); short protein forms R897W.
Identifiers: ClinVar variation 948252 (VCV000948252.12), dbSNP rs371742009, ClinGen allele CA4759792.

ClinVar aggregate classification (germline): Conflicting classifications of pathogenicity. Review status: criteria provided, conflicting classifications (1 of 4 stars). 3 submissions from 3 submitters: Uncertain significance (2); Benign (1). Last evaluated 2025-09-24.

Conditions:
Inborn genetic diseases. Identifiers: MedGen C0950123, MeSH D030342.
Hypogonadotropic hypogonadism 5 with or without anosmia (KAL5). Also called: HYPOGONADOTROPIC HYPOGONADISM 5 WITH ANOSMIA; HYPOGONADOTROPHIC HYPOGONADISM 5 WITHOUT ANOSMIA; CHD7-Related GnRH Deficiency (Kallmann Syndrome 5). Identifiers: Orphanet 478, MedGen C3552553, MONDO:0012880, OMIM 612370. Disease mechanism: loss of function.
CHARGE syndrome (CHARGE). Also called: Hittner Hirsch Kreh syndrome; Coloboma, heart anomaly, choanal atresia, retardation, genital and ear anomalies; CHARGE association; Hall-Hittner syndrome; CHARGE ASSOCIATION--COLOBOMA, HEART ANOMALY, CHOANAL ATRESIA, RETARDATION, GENITAL AND EAR ANOMALIES. Identifiers: Orphanet 138, MedGen C0265354, MONDO:0008965.

Allele frequency attached by ClinVar (database versions not stated): ExAC 0.00001; gnomAD exomes 0.00001; gnomAD 0.00002; TOPMed 0.00002; ESP Exome Variant Server 0.00008.
gnomAD v4.1: 10 of 1,603,298 alleles (0.00062%); highest among the groups gnomAD compares: South Asian, 0.0045%; no homozygotes.

Submissions (3):

Ambry Genetics
Classification: Uncertain significance for Inborn genetic diseases. Last evaluated: 2025-09-24. Review status: criteria provided, single submitter. Criteria: Ambry Variant Classification Scheme 2023. Collection method: clinical testing. Allele origin: germline.
Comment: The p.R897W variant (also known as c.2689C>T), located in coding exon 8 of the CHD7 gene, results from a C to T substitution at nucleotide position 2689. The arginine at codon 897 is replaced by tryptophan, an amino acid with dissimilar properties. This amino acid position is conserved. In addition, this alteration is predicted to be tolerated by in silico analysis. Based on the available evidence, the clinical significance of this variant remains unclear.

Fulgent Genetics
Classification: Uncertain significance for CHD7-related CHARGE syndrome; Hypogonadotropic hypogonadism 5 with or without anosmia. Last evaluated: 2024-03-22. Review status: criteria provided, single submitter. Criteria: ACMG Guidelines, 2015. Collection method: clinical testing. Allele origin: germline.

Labcorp Genetics (formerly Invitae), Labcorp
Classification: Benign for CHARGE syndrome. Last evaluated: 2023-08-27. Review status: criteria provided, single submitter. Criteria: Invitae Variant Classification Sherloc (09022015). Collection method: clinical testing. Allele origin: germline.